The following is an entry in ClinVar:

NM_005477.3(HCN4):c.2398C>A (p.Arg800Ser)

Gene: HCN4 (hyperpolarization activated cyclic nucleotide gated potassium channel 4; minus strand). Cytogenetic location: 15q24.1.
Variant type: single nucleotide variant.
Coding change: c.2398C>A on transcript NM_005477.3 (MANE Select); coding-DNA position 2398, C replaced by A.
Protein change: p.Arg800Ser; replaces arginine 800 with serine.
Molecular consequence: missense variant.
Genome position (GRCh38, 1-based): chr15:73,323,695, G>T on the plus strand (C>A on the coding strand, the complement: HCN4 is on the minus strand). VCF-style: chr15-73323695-G-T. GRCh37 (hg19) VCF-style: chr15-73616036-G-T.
Other names: short protein forms R800S.
Identifiers: ClinVar variation 1005511 (VCV001005511.8), dbSNP rs181894662, ClinGen allele CA393088966.

ClinVar aggregate classification (germline): Uncertain significance (1 of 4 stars; one submission).

Conditions:
Brugada syndrome 8 (BRGDA8). Identifiers: Orphanet 130, MedGen C2751083, MONDO:0013148, OMIM 613123.

Submission:

Labcorp Genetics (formerly Invitae), Labcorp
Classification: Uncertain significance for Brugada syndrome 8. Last evaluated: 2020-07-30. Review status: criteria provided, single submitter. Criteria: Invitae Variant Classification Sherloc (09022015). Collection method: clinical testing. Allele origin: germline.
Comment: This sequence change replaces arginine with serine at codon 800 of the HCN4 protein (p.Arg800Ser). The arginine residue is highly conserved and there is a moderate physicochemical difference between arginine and serine. In summary, the available evidence is currently insufficient to determine the role of this variant in disease. Therefore, it has been classified as a Variant of Uncertain Significance. Algorithms developed to predict the effect of sequence changes on RNA splicing suggest that this variant may create or strengthen a splice site, but this prediction has not been confirmed by published transcriptional studies. Advanced modeling of protein sequence and biophysical properties (such as structural, functional, and spatial information, amino acid conservation, physicochemical variation, residue mobility, and thermodynamic stability) performed at Invitae indicates that this missense variant is not expected to disrupt HCN4 protein function. This variant has not been reported in the literature in individuals with HCN4-related conditions. This variant is not present in population databases (ExAC no frequency).